The following is an entry in ClinVar:

ClinVar aggregate classification (germline): Uncertain significance (1 of 4 stars; one submission).

Allele frequency attached by ClinVar (database versions not stated): TOPMed 0.00001.
gnomAD v4.1: 5 of 1,613,420 alleles (0.00031%); highest among the groups gnomAD compares: Non-Finnish European, 0.00042%; no homozygotes.

Submission:

Ambry Genetics
Classification: Uncertain significance. Last evaluated: 2023-10-01. Review status: criteria provided, single submitter. Criteria: Ambry Variant Classification Scheme 2023. Collection method: clinical testing. Allele origin: germline.
Comment: The p.G959E variant (also known as c.2876G>A), located in coding exon 23 of the BUB1 gene, results from a G to A substitution at nucleotide position 2876. The glycine at codon 959 is replaced by glutamic acid, an amino acid with similar properties. This amino acid position is conserved. In addition, the in silico prediction for this alteration is inconclusive. Since supporting evidence is limited at this time, the clinical significance of this alteration remains unclear.

NM_004336.5(BUB1):c.2876G>A (p.Gly959Glu)

Gene: BUB1 (BUB1 mitotic checkpoint serine/threonine kinase; minus strand). Cytogenetic location: 2q13.
Variant type: single nucleotide variant.
Coding change: c.2876G>A on transcript NM_004336.5 (MANE Select); coding-DNA position 2876, G replaced by A.
Protein change: p.Gly959Glu; replaces glycine 959 with glutamic acid.
Molecular consequence: missense variant.
Genome position (GRCh38, 1-based): chr2:110,641,113, C>T on the plus strand (G>A on the coding strand, the complement: BUB1 is on the minus strand). VCF-style: chr2-110641113-C-T. GRCh37 (hg19) VCF-style: chr2-111398690-C-T.
Other names: c.2816G>A, p.Gly939Glu (NM_001278616.2); c.2705G>A, p.Gly902Glu (NM_001278617.2); short protein forms G902E, G939E, G959E.
Identifiers: ClinVar variation 1797104 (VCV001797104.2), dbSNP rs1461557979, ClinGen allele CA348089100.
Genomic context (GRCh38, chr2:110,641,113, plus strand): 5'-TTGCTGAGCATCTCAACACACTGAAAACCAGATGTTTCACACTTTGCTGTGAATATAGTT[C>T]CTTTTGGAAAAAGTTTCATATCTATACTCTGACCCAGGTCAATCAGTGCCAAGCCAGCAG-3'
Protein context (NP_004327.1, residues 949-969): QSIDMKLFPK[Gly959Glu]TIFTAKCETS